The following is an entry in ClinVar:

ClinVar aggregate classification (germline): Likely benign (1 of 4 stars; one submission).

Allele frequency attached by ClinVar (database versions not stated): gnomAD exomes below 0.00001.

Submission:

CeGaT Center for Human Genetics Tuebingen
Classification: Likely benign. Last evaluated: 2023-01-01. Review status: criteria provided, single submitter. Criteria: CeGaT Center For Human Genetics Tuebingen Variant Classification Criteria Version 2. Collection method: clinical testing. Allele origin: germline. Affected: yes. Observed: 1 variant allele.
Comment: DAG1: PM2:Supporting, BP4, BP7

NM_004393.6(DAG1):c.631C>T (p.Leu211=)

Gene: DAG1 (dystroglycan 1; plus strand). Cytogenetic location: 3p21.31.
Variant type: single nucleotide variant.
Coding change: c.631C>T on transcript NM_004393.6 (MANE Select); coding-DNA position 631, C replaced by T.
Protein change: p.Leu211=; no amino-acid change (leucine 211 retained).
Molecular consequence: synonymous variant.
Genome position (GRCh38, 1-based): chr3:49,531,142, C>T. VCF-style: chr3-49531142-C-T. GRCh37 (hg19) VCF-style: chr3-49568575-C-T.
Other names: c.631C>T, p.Leu211= (NM_001177642.3, NM_001177643.3, NM_001177644.3 and 9 more transcripts).
Identifiers: ClinVar variation 2653827 (VCV002653827.24), dbSNP rs2472603586, ClinGen allele CA433839116.